The following is an entry in ClinVar:

NM_000368.5(TSC1):c.436T>C (p.Ser146Pro)

Gene: TSC1 (TSC complex subunit 1; minus strand). Cytogenetic location: 9q34.13.
Variant type: single nucleotide variant.
Coding change: c.436T>C on transcript NM_000368.5 (MANE Select); coding-DNA position 436, T replaced by C.
Protein change: p.Ser146Pro; replaces serine 146 with proline.
Molecular consequence: missense variant.
Genome position (GRCh38, 1-based): chr9:132,923,420, A>G on the plus strand (T>C on the coding strand, the complement: TSC1 is on the minus strand). VCF-style: chr9-132923420-A-G. GRCh37 (hg19) VCF-style: chr9-135798807-A-G.
Other names: c.436T>C, p.Ser146Pro (NM_001162426.2, NM_001406592.1, NM_001406593.1 and 16 more transcripts); c.283T>C, p.Ser95Pro (NM_001162427.2, NM_001406610.1, NM_001406611.1 and 2 more transcripts); c.73T>C, p.Ser25Pro (NM_001362177.2, NM_001406614.1, NM_001406615.1 and 10 more transcripts); c.-442T>C (NM_001406626.1, NM_001406627.1, NM_001406628.1); c.-584T>C (NM_001406629.1); c.-658T>C (NM_001406630.1); short protein forms S25P, S146P, S95P.
Identifiers: ClinVar variation 1950563 (VCV001950563.5), dbSNP rs2539039755, ClinGen allele CA375373437.

ClinVar aggregate classification (germline): Uncertain significance (1 of 4 stars; one submission).

Conditions:
Tuberous sclerosis 1 (TSC1). Identifiers: Orphanet 805, MedGen C1854465, MONDO:0008612, OMIM 191100.

Submission:

Labcorp Genetics (formerly Invitae), Labcorp
Classification: Uncertain significance for Tuberous sclerosis 1. Last evaluated: 2025-08-25. Review status: criteria provided, single submitter. Criteria: Invitae Variant Classification Sherloc (09022015). Collection method: clinical testing. Allele origin: germline.
Comment: This sequence change replaces serine, which is neutral and polar, with proline, which is neutral and non-polar, at codon 146 of the TSC1 protein (p.Ser146Pro). This variant is not present in population databases (gnomAD no frequency). This variant has not been reported in the literature in individuals affected with TSC1-related conditions. ClinVar contains an entry for this variant (Variation ID: 1950563). Invitae Evidence Modeling of protein sequence and biophysical properties (such as structural, functional, and spatial information, amino acid conservation, physicochemical variation, residue mobility, and thermodynamic stability) indicates that this missense variant is not expected to disrupt TSC1 protein function with a negative predictive value of 95%. In summary, the available evidence is currently insufficient to determine the role of this variant in disease. Therefore, it has been classified as a Variant of Uncertain Significance.